The following is an entry in ClinVar:

ClinVar aggregate classification (germline): Uncertain significance (1 of 4 stars; one submission).

Allele frequency attached by ClinVar (database versions not stated): gnomAD 0.00003; gnomAD exomes 0.00003; TOPMed 0.00003.
gnomAD v4.1: 40 of 1,535,898 alleles (0.0026%); highest among the groups gnomAD compares: Non-Finnish European, 0.0035%; no homozygotes.

Submission:

Labcorp Genetics (formerly Invitae), Labcorp
Classification: Uncertain significance. Last evaluated: 2022-09-19. Review status: criteria provided, single submitter. Criteria: Invitae Variant Classification Sherloc (09022015). Collection method: clinical testing. Allele origin: germline.
Comment: Experimental studies and prediction algorithms are not available or were not evaluated, and the functional significance of this variant is currently unknown. The FMN1 gene has multiple clinically relevant transcripts. This variant occurs in alternate transcript NM_001277314.1, and corresponds to NM_001103184.3:c.-85334T>G in the primary transcript. This sequence change replaces valine, which is neutral and non-polar, with glycine, which is neutral and non-polar, at codon 566 of the FMN1 protein (p.Val566Gly). This variant is present in population databases (rs775665942, gnomAD 0.002%). This variant has not been reported in the literature in individuals affected with FMN1-related conditions. In summary, the available evidence is currently insufficient to determine the role of this variant in disease. Therefore, it has been classified as a Variant of Uncertain Significance.

NM_001277313.2(FMN1):c.1697T>G (p.Val566Gly)

Gene: FMN1 (formin 1; minus strand). Cytogenetic location: 15q13.3.
Variant type: single nucleotide variant.
Coding change: c.1697T>G on transcript NM_001277313.2 (MANE Select); coding-DNA position 1697, T replaced by G.
Protein change: p.Val566Gly; replaces valine 566 with glycine.
Molecular consequence: missense variant.
Genome position (GRCh38, 1-based): chr15:33,153,218, A>C on the plus strand (T>G on the coding strand, the complement: FMN1 is on the minus strand). VCF-style: chr15-33153218-A-C. GRCh37 (hg19) VCF-style: chr15-33445419-A-C.
Other names: c.1697T>G, p.Val566Gly (NM_001277314.2); short protein forms V566G.
Identifiers: ClinVar variation 1903521 (VCV001903521.5), dbSNP rs775665942, ClinGen allele CA268811411.